The following is an entry in ClinVar:

NM_001271938.2(MEGF8):c.278C>G (p.Ser93Cys)

Gene: MEGF8 (multiple EGF like domains 8; plus strand). Cytogenetic location: 19q13.2.
Variant type: single nucleotide variant.
Coding change: c.278C>G on transcript NM_001271938.2 (MANE Select); coding-DNA position 278, C replaced by G.
Protein change: p.Ser93Cys; replaces serine 93 with cysteine.
Molecular consequence: missense variant.
Genome position (GRCh38, 1-based): chr19:42,333,695, C>G. VCF-style: chr19-42333695-C-G. GRCh37 (hg19) VCF-style: chr19-42837847-C-G.
Other names: c.278C>G, p.Ser93Cys (NM_001410.3); short protein forms S93C.
Identifiers: ClinVar variation 938580 (VCV000938580.10), dbSNP rs200910137, ClinGen allele CA9474107.

ClinVar aggregate classification (germline): Uncertain significance. Review status: criteria provided, multiple submitters, no conflicts (2 of 4 stars). 3 submissions from 3 submitters: Uncertain significance (3). Last evaluated 2025-08-21.

Conditions:
Inborn genetic diseases. Identifiers: MedGen C0950123, MeSH D030342.
MEGF8-related Carpenter syndrome. Also called: Carpenter syndrome 2. Identifiers: Orphanet 65759, MedGen C3554247, MONDO:0013998, OMIM 614976.

Allele frequency attached by ClinVar (database versions not stated): ESP Exome Variant Server 0.00008; ExAC 0.00009; gnomAD exomes 0.00011 and 0.00015; 1000 Genomes Project 30x 0.00016; TOPMed 0.00019; 1000 Genomes Project 0.00020.
gnomAD v4.1: 243 of 1,614,008 alleles (0.015%); highest among the groups gnomAD compares: Admixed American, 0.023%; no homozygotes.

Submissions (3):

Ambry Genetics
Classification: Uncertain significance for Inborn genetic diseases. Last evaluated: 2025-08-21. Review status: criteria provided, single submitter. Criteria: Ambry Variant Classification Scheme 2023. Collection method: clinical testing. Allele origin: germline.

GeneDx
Classification: Uncertain significance. Last evaluated: 2025-01-15. Review status: criteria provided, single submitter. Criteria: GeneDx Variant Classification Process June 2021. Collection method: clinical testing. Allele origin: germline. Affected: yes.
Comment: In silico analysis supports that this missense variant has a deleterious effect on protein structure/function; Has not been previously published as pathogenic or benign to our knowledge

Labcorp Genetics (formerly Invitae), Labcorp
Classification: Uncertain significance for MEGF8-related Carpenter syndrome. Last evaluated: 2022-07-29. Review status: criteria provided, single submitter. Criteria: Invitae Variant Classification Sherloc (09022015). Collection method: clinical testing. Allele origin: germline.
Comment: This sequence change replaces serine, which is neutral and polar, with cysteine, which is neutral and slightly polar, at codon 93 of the MEGF8 protein (p.Ser93Cys). This variant is present in population databases (rs200910137, gnomAD 0.03%). This variant has not been reported in the literature in individuals affected with MEGF8-related conditions. ClinVar contains an entry for this variant (Variation ID: 938580). Algorithms developed to predict the effect of missense changes on protein structure and function are either unavailable or do not agree on the potential impact of this missense change (SIFT: "Deleterious"; PolyPhen-2: "Possibly Damaging"; Align-GVGD: "Class C0"). In summary, the available evidence is currently insufficient to determine the role of this variant in disease. Therefore, it has been classified as a Variant of Uncertain Significance.